The following is an entry in ClinVar:

ClinVar aggregate classification (germline): Likely benign (1 of 4 stars; one submission).

Allele frequency attached by ClinVar (database versions not stated): gnomAD 0.00016; ESP Exome Variant Server 0.00359.

Submission:

CeGaT Center for Human Genetics Tuebingen
Classification: Likely benign. Last evaluated: 2024-01-01. Review status: criteria provided, single submitter. Criteria: CeGaT Center For Human Genetics Tuebingen Variant Classification Criteria Version 2. Collection method: clinical testing. Allele origin: germline. Affected: yes. Observed: 2 variant alleles.
Comment: VCX3B: BP4, BP7

NM_001001888.4(VCX3B):c.453G>A (p.Glu151=)

Gene: VCX3B (variable charge X-linked 3B; plus strand). Cytogenetic location: Xp22.31.
Variant type: single nucleotide variant.
Coding change: c.453G>A on transcript NM_001001888.4 (MANE Select); coding-DNA position 453, G replaced by A.
Protein change: p.Glu151=; no amino-acid change (glutamic acid 151 retained).
Molecular consequence: synonymous variant.
Genome position (GRCh38, 1-based): chrX:8,466,095, G>A. VCF-style: chrX-8466095-G-A. GRCh37 (hg19) VCF-style: chrX-8434136-G-A.
Identifiers: ClinVar variation 2659934 (VCV002659934.24), dbSNP rs374942992, ClinGen allele CA326033581.
Genomic context (GRCh38, chrX:8,466,095, plus strand): 5'-GGAACCACTGAGTCAGGAGAGCGAGGTGGAAGAACCACTGAGTCAGGAGAGCCAGGTGGA[G>A]GAACCACTGAGTCAGGAGAGCGAGGTGGAGGAACCACTGAGTCAGGAGAGCGAGGTGGAA-3'
Protein context (NP_001001888.3, residues 141-161): EEPLSQESQV[Glu151=]EPLSQESEVE